The following is an entry in ClinVar:

ClinVar aggregate classification (germline): Benign/Likely benign. Review status: criteria provided, multiple submitters, no conflicts (2 of 4 stars). 2 submissions from 2 submitters: Benign (1); Likely benign (1). Last evaluated 2025-11-03.

Conditions:
Emery-Dreifuss muscular dystrophy 5, autosomal dominant (EDMD5). Also called: EMERY-DREIFUSS MUSCULAR DYSTROPHY 5. Identifiers: Orphanet 261, MedGen C2751805, MONDO:0013072, OMIM 612999.

Allele frequency attached by ClinVar (database versions not stated): gnomAD 0.00005 and 0.00006; TOPMed 0.00006; ESP Exome Variant Server 0.00008; gnomAD exomes 0.00009 and 0.00011; ExAC 0.00010.
gnomAD v4.1: 168 of 1,599,704 alleles (0.011%); highest among the groups gnomAD compares: Middle Eastern, 0.033%; no homozygotes.

Submissions (2):

Labcorp Genetics (formerly Invitae), Labcorp
Classification: Likely benign for Emery-Dreifuss muscular dystrophy 5, autosomal dominant. Last evaluated: 2025-11-03. Review status: criteria provided, single submitter. Criteria: Invitae Variant Classification Sherloc (09022015). Collection method: clinical testing. Allele origin: germline.

Illumina Laboratory Services, Illumina
Classification: Benign for Emery-Dreifuss muscular dystrophy 5, autosomal dominant. Last evaluated: 2018-01-13. Review status: criteria provided, single submitter. Criteria: ICSL Variant Classification Criteria 13 December 2019. Collection method: clinical testing. Allele origin: germline.
Comment: This variant was observed in the ICSL laboratory as part of a predisposition screen in an ostensibly healthy population. It had not been previously curated by ICSL or reported in the Human Gene Mutation Database (HGMD: prior to June 1st, 2018), and was therefore a candidate for classification through an automated scoring system. Utilizing variant allele frequency, disease prevalence and penetrance estimates, and inheritance mode, an automated score was calculated to assess if this variant is too frequent to cause the disease. Based on the score and internal cut-off values, a variant classified as benign is not then subjected to further curation. The score for this variant resulted in a classification of benign for this disease.

NM_182914.3(SYNE2):c.787+15T>G

Gene: SYNE2 (spectrin repeat containing nuclear envelope protein 2; plus strand). Cytogenetic location: 14q23.2.
Variant type: single nucleotide variant.
Coding change: c.787+15T>G on transcript NM_182914.3 (MANE Select); 15 bases into the intron after coding-DNA position 787, T replaced by G.
Molecular consequence: intron variant.
Genome position (GRCh38, 1-based): chr14:63,954,930, T>G. VCF-style: chr14-63954930-T-G. GRCh37 (hg19) VCF-style: chr14-64421648-T-G.
Other names: c.787+15T>G (NM_015180.6).
Identifiers: ClinVar variation 882493 (VCV000882493.11), dbSNP rs374295389, ClinGen allele CA7219199.